The following is an entry in ClinVar:

NM_018706.7(DHTKD1):c.395T>C (p.Ile132Thr)

Gene: DHTKD1 (dehydrogenase E1 and transketolase domain containing 1; plus strand). Cytogenetic location: 10p14.
Variant type: single nucleotide variant.
Coding change: c.395T>C on transcript NM_018706.7 (MANE Select); coding-DNA position 395, T replaced by C.
Protein change: p.Ile132Thr; replaces isoleucine 132 with threonine.
Molecular consequence: missense variant.
Genome position (GRCh38, 1-based): chr10:12,084,624, T>C. VCF-style: chr10-12084624-T-C. GRCh37 (hg19) VCF-style: chr10-12126623-T-C.
Other names: short protein forms I132T.
Identifiers: ClinVar variation 2168942 (VCV002168942.4), dbSNP rs1453624569, ClinGen allele CA376016079.

ClinVar aggregate classification (germline): Uncertain significance (1 of 4 stars; one submission).

Conditions:
2-aminoadipic 2-oxoadipic aciduria (AAKAD). Also called: Aminoadipic aciduria; ALPHA-AMINOADIPIC AND ALPHA-KETOADIPIC ACIDURIA. Identifiers: Orphanet 79154, MedGen C1859817, MONDO:0008774, OMIM 204750.

Allele frequency attached by ClinVar (database versions not stated): gnomAD 0.00001; gnomAD exomes 0.00001.
gnomAD v4.1: 12 of 1,613,950 alleles (0.00074%); highest among the groups gnomAD compares: East Asian, 0.02%; no homozygotes.

Submission:

Labcorp Genetics (formerly Invitae), Labcorp
Classification: Uncertain significance for 2-aminoadipic 2-oxoadipic aciduria. Last evaluated: 2024-09-15. Review status: criteria provided, single submitter. Criteria: Invitae Variant Classification Sherloc (09022015). Collection method: clinical testing. Allele origin: germline.
Comment: This sequence change replaces isoleucine, which is neutral and non-polar, with threonine, which is neutral and polar, at codon 132 of the DHTKD1 protein (p.Ile132Thr). This variant is present in population databases (no rsID available, gnomAD 0.006%). This variant has not been reported in the literature in individuals affected with DHTKD1-related conditions. ClinVar contains an entry for this variant (Variation ID: 2168942). Invitae Evidence Modeling of protein sequence and biophysical properties (such as structural, functional, and spatial information, amino acid conservation, physicochemical variation, residue mobility, and thermodynamic stability) indicates that this missense variant is not expected to disrupt DHTKD1 protein function with a negative predictive value of 80%. In summary, the available evidence is currently insufficient to determine the role of this variant in disease. Therefore, it has been classified as a Variant of Uncertain Significance.